The following is an entry in ClinVar:

NM_000051.4(ATM):c.4516G>C (p.Val1506Leu)

Gene: ATM (ATM serine/threonine kinase; plus strand). Cytogenetic location: 11q22.3.
Variant type: single nucleotide variant.
Coding change: c.4516G>C on transcript NM_000051.4 (MANE Select); coding-DNA position 4516, G replaced by C.
Protein change: p.Val1506Leu; replaces valine 1506 with leucine.
Molecular consequence: missense variant.
Genome position (GRCh38, 1-based): chr11:108,292,698, G>C. VCF-style: chr11-108292698-G-C. GRCh37 (hg19) VCF-style: chr11-108163425-G-C.
Other names: c.4516G>C, p.Val1506Leu (NM_001351834.2); short protein forms V1506L.
Identifiers: ClinVar variation 968538 (VCV000968538.10), dbSNP rs760542469, ClinGen allele CA382533630.

ClinVar aggregate classification (germline): Uncertain significance (1 of 4 stars; one submission).

Conditions:
Ataxia-telangiectasia syndrome (AT). Also called: ATAXIA-TELANGIECTASIA, FRESNO VARIANT; Ataxia-telangiectasia, complementation group E; Ataxia telangiectasia (A-T); LOUIS-BAR SYNDROME; Ataxia-telangiectasia, complementation group D; AT, COMPLEMENTATION GROUP C. Identifiers: Orphanet 100, MedGen C0004135, MONDO:0008840, OMIM 208900.

Submission:

Labcorp Genetics (formerly Invitae), Labcorp
Classification: Uncertain significance for Ataxia-telangiectasia syndrome. Last evaluated: 2023-04-24. Review status: criteria provided, single submitter. Criteria: Invitae Variant Classification Sherloc (09022015). Collection method: clinical testing. Allele origin: germline.
Comment: In summary, the available evidence is currently insufficient to determine the role of this variant in disease. Therefore, it has been classified as a Variant of Uncertain Significance. An algorithm developed to predict the effect of missense changes on protein structure and function (PolyPhen-2) suggests that this variant is likely to be tolerated. ClinVar contains an entry for this variant (Variation ID: 968538). This variant has not been reported in the literature in individuals affected with ATM-related conditions. This variant is not present in population databases (gnomAD no frequency). This sequence change replaces valine, which is neutral and non-polar, with leucine, which is neutral and non-polar, at codon 1506 of the ATM protein (p.Val1506Leu).